The following is an entry in ClinVar:

NM_001034852.3(SMOC1):c.423G>A (p.Pro141=)

Gene: SMOC1 (SPARC related modular calcium binding 1; plus strand). Cytogenetic location: 14q24.2.
Variant type: single nucleotide variant.
Coding change: c.423G>A on transcript NM_001034852.3 (MANE Select); coding-DNA position 423, G replaced by A.
Protein change: p.Pro141=; no amino-acid change (proline 141 retained).
Molecular consequence: synonymous variant.
Genome position (GRCh38, 1-based): chr14:69,975,759, G>A. VCF-style: chr14-69975759-G-A. GRCh37 (hg19) VCF-style: chr14-70442476-G-A.
Other names: c.423G>A, p.Pro141= (NM_022137.6).
Identifiers: ClinVar variation 732539 (VCV000732539.34), dbSNP rs149500882, ClinGen allele CA7246457.

ClinVar aggregate classification (germline): Benign/Likely benign. Review status: criteria provided, multiple submitters, no conflicts (2 of 4 stars). 4 submissions from 4 submitters: Benign (1); Likely benign (3). Last evaluated 2026-01-12.

Conditions:
SMOC1-related disorder. Also called: SMOC1-related condition.

Allele frequency attached by ClinVar (database versions not stated): 1000 Genomes Project 30x 0.00016; 1000 Genomes Project 0.00020; TOPMed 0.00158; gnomAD exomes 0.00177 and 0.00259; gnomAD 0.00183 and 0.00193; ExAC 0.00195; ESP Exome Variant Server 0.00231.
gnomAD v4.1: 4,047 of 1,613,032 alleles (0.25%); highest among the groups gnomAD compares: Non-Finnish European, 0.3%; 6 homozygotes.

Submissions (7):

Labcorp Genetics (formerly Invitae), Labcorp
Classification: Benign. Last evaluated: 2026-01-12. Review status: criteria provided, single submitter. Criteria: Invitae Variant Classification Sherloc (09022015). Collection method: clinical testing. Allele origin: germline.

PreventionGenetics, part of Exact Sciences
Classification: Likely benign for SMOC1-related condition. Last evaluated: 2025-05-15. Review status: criteria provided, single submitter. Criteria: ACMG Guidelines, 2015. Collection method: clinical testing. Allele origin: germline.
Comment: This variant is classified as likely benign based on ACMG/AMP sequence variant interpretation guidelines (Richards et al. 2015 PMID: 25741868, with internal and published modifications).

CeGaT Center for Human Genetics Tuebingen
Classification: Likely benign. Last evaluated: 2025-03-01. Review status: criteria provided, single submitter. Criteria: CeGaT Center For Human Genetics Tuebingen Variant Classification Criteria Version 2. Collection method: clinical testing. Allele origin: germline. Affected: yes. Observed: 4 variant alleles.
Comment: SMOC1: BP4, BP7

Blueprint Genetics
Classification: Likely benign. Last evaluated: 2024-11-08. Review status: criteria provided, single submitter. Criteria: ACMG Guidelines, 2015. Collection method: clinical testing. Allele origin: germline.

Dr. Peter K. Rogan Lab, Western University
No classification provided (evidence only). Condition: Lung cancer. Review status: no classification provided. Collection method: in vitro. Allele origin: not applicable. Functional consequence: retained intron. Not counted in ClinVar's aggregate classification.

Dr. Peter K. Rogan Lab, Western University
No classification provided (evidence only). Condition: Familial cancer of breast. Review status: no classification provided. Collection method: in vitro. Allele origin: not applicable. Functional consequence: retained intron. Not counted in ClinVar's aggregate classification.

Dr. Peter K. Rogan Lab, Western University
No classification provided (evidence only). Condition: Hepatocellular carcinoma. Review status: no classification provided. Collection method: in vitro. Allele origin: not applicable. Functional consequence: retained intron. Not counted in ClinVar's aggregate classification.